The following is an entry in ClinVar:

ClinVar aggregate classification (germline): Uncertain significance (1 of 4 stars; one submission).

Conditions:
Cardiovascular phenotype. Identifiers: MedGen CN230736.

Allele frequency attached by ClinVar (database versions not stated): gnomAD exomes below 0.00001.
gnomAD v4.1: 3 of 1,613,732 alleles (0.00019%); highest among the groups gnomAD compares: Non-Finnish European, 0.00025%; no homozygotes.

Submission:

Ambry Genetics
Classification: Uncertain significance for Cardiovascular phenotype. Last evaluated: 2020-11-09. Review status: criteria provided, single submitter. Criteria: Ambry Variant Classification Scheme 2023. Collection method: clinical testing. Allele origin: germline.
Comment: The p.I1523M variant (also known as c.4569T>G), located in coding exon 38 of the ABCC9 gene, results from a T to G substitution at nucleotide position 4569. The isoleucine at codon 1523 is replaced by methionine, an amino acid with highly similar properties. This amino acid position is well conserved in available vertebrate species. In addition, this alteration is predicted to be tolerated by in silico analysis. Since supporting evidence is limited at this time, the clinical significance of this alteration remains unclear.

NM_020297.4(ABCC9):c.4512+743T>G

Genes: ABCC9 (ATP binding cassette subfamily C member 9; minus strand), KCNJ8-AS1 (KCNJ8 antisense RNA 1; plus strand). Cytogenetic location: 12p12.1.
Variant type: single nucleotide variant.
Coding change: c.4512+743T>G on transcript NM_020297.4 (MANE Select); 743 bases into the intron after coding-DNA position 4512, T replaced by G.
Molecular consequence: intron variant. On other transcripts: missense variant (1).
Genome position (GRCh38, 1-based): chr12:21,805,255, A>C on the plus strand (T>G on the coding strand, the complement: ABCC9 is on the minus strand). VCF-style: chr12-21805255-A-C. GRCh37 (hg19) VCF-style: chr12-21958189-A-C.
Other names: c.4569T>G, p.Ile1523Met (NM_005691.4); c.3645+743T>G (NM_001377274.1); c.4512+743T>G (NM_001377273.1); short protein forms I1523M.
Identifiers: ClinVar variation 1741534 (VCV001741534.2), dbSNP rs1210379061, ClinGen allele CA384129261.
Genomic context (GRCh38, chr12:21,805,255, plus strand): 5'-AGTGGAAAAGAGGCCATTCTTGTGGGCGAGCAAATTTGGGACAGTATCACACTCCACTAA[A>C]ATACCCTCAGAAAAGACTAAAACAAGGCCTGCATCCATAATAGAAGAGACACGGTGCTGG-3'